The following is an entry in ClinVar:

ClinVar aggregate classification (germline): Pathogenic (1 of 4 stars; one submission).

Conditions:
Ataxia-telangiectasia syndrome (AT). Also called: Cerebello-oculocutaneous telangiectasia; Immunodeficiency with ataxia telangiectasia; ATAXIA-TELANGIECTASIA, FRESNO VARIANT; Ataxia-telangiectasia, complementation group D; Ataxia telangiectasia (A-T); LOUIS-BAR SYNDROME. Identifiers: Orphanet 100, MedGen C0004135, MONDO:0008840, OMIM 208900.

Submission:

Labcorp Genetics (formerly Invitae), Labcorp
Classification: Pathogenic for Ataxia-telangiectasia syndrome. Last evaluated: 2016-11-22. Review status: criteria provided, single submitter. Criteria: Invitae Variant Classification Sherloc (09022015). Collection method: clinical testing. Allele origin: germline.
Comment: For these reasons, this variant has been classified as Pathogenic. While this particular variant has not been reported in the literature, gross deletions and truncating variants in ATM are known to be pathogenic (PMID: 25614872, 23807571). This variant is a gross deletion of the genomic region encompassing exons 33-56 of the ATM gene. This creates a premature translational stop signal and is expected to result in an absent or disrupted protein product.

Literature cited by the submitters: PubMed 25614872; PubMed 23807571.

NC_000011.9:g.(?_108168008)_(108206694_?)del

Gene: ATM (ATM serine/threonine kinase; plus strand). Cytogenetic location: 11q22.3.
Variant type: Deletion.
Identifiers: ClinVar variation 1075721 (VCV001075721.7).